The following is an entry in ClinVar:

ClinVar aggregate classification (germline): Likely benign (1 of 4 stars; one submission).

Allele frequency attached by ClinVar (database versions not stated): gnomAD exomes 0.00026; gnomAD 0.00315; TOPMed 0.00358; 1000 Genomes Project 30x 0.00390; 1000 Genomes Project 0.00399.

Submission:

GeneDx
Classification: Likely benign. Last evaluated: 2020-02-15. Review status: criteria provided, single submitter. Criteria: GeneDx Variant Classification Process June 2021. Collection method: clinical testing. Allele origin: germline. Affected: yes.
Comment: See Variant Classification Assertion Criteria.

NM_003504.5(CDC45):c.343-78_343-77del

Gene: CDC45 (cell division cycle 45; plus strand). Cytogenetic location: 22q11.21.
Variant type: Deletion.
Coding change: c.343-78_343-77del on transcript NM_003504.5 (MANE Select); 78 bases into the intron before coding-DNA position 343 through 77 bases into the intron before coding-DNA position 343, 2 bases deleted (AA; older notation c.343-78_343-77delAA).
Molecular consequence: intron variant.
Genome position (GRCh38, 1-based): chr22:19,483,784-19,483,785, AA deleted. VCF-style (leftmost placement, unchanged base first): chr22-19483783-TAA-T. GRCh37 (hg19) VCF-style: chr22-19471306-TAA-T.
Other names: c.307-78_307-77del (NM_001369291.1); c.343-78_343-77del (NM_001178010.2); c.205-78_205-77del (NM_001178011.2).
Identifiers: ClinVar variation 1707217 (VCV001707217.2), dbSNP rs567751696, ClinGen allele CA322095840.
Genomic context (GRCh38, chr22:19,483,783, plus strand): 5'-CTTGTTAAATAGGTAGCTATTTGTATGAACAGGAAACTGAGTCAGCTTATTAGGAAATGA[TAA>T]GATTCTGCAGAAGAACATATTGTATAGTTTTCCGTAGAAAGAGGAGAGGCTTAATTCCTT-3'